The following is an entry in ClinVar:

ClinVar aggregate classification (germline): Uncertain significance (1 of 4 stars; one submission).

Conditions:
Inborn genetic diseases. Identifiers: MedGen C0950123, MeSH D030342.

gnomAD v4.1: 1 of 1,613,884 alleles (0.000062%); highest among the groups gnomAD compares: Non-Finnish European, 0.000085%; no homozygotes.

Submission:

Ambry Genetics
Classification: Uncertain significance for Inborn genetic diseases. Last evaluated: 2025-02-02. Review status: criteria provided, single submitter. Criteria: Ambry Variant Classification Scheme 2023. Collection method: clinical testing. Allele origin: germline.
Comment: The p.N606S variant (also known as c.1817A>G), located in coding exon 1 of the SAMD9L gene, results from an A to G substitution at nucleotide position 1817. The asparagine at codon 606 is replaced by serine, an amino acid with highly similar properties. This amino acid position is conserved. In addition, this alteration is predicted to be tolerated by in silico analysis. Based on the available evidence, the clinical significance of this variant remains unclear.

NM_152703.5(SAMD9L):c.1817A>G (p.Asn606Ser)

Gene: SAMD9L (sterile alpha motif domain containing 9 like; minus strand). Cytogenetic location: 7q21.2.
Variant type: single nucleotide variant.
Coding change: c.1817A>G on transcript NM_152703.5 (MANE Select); coding-DNA position 1817, A replaced by G.
Protein change: p.Asn606Ser; replaces asparagine 606 with serine.
Molecular consequence: missense variant.
Genome position (GRCh38, 1-based): chr7:93,134,155, T>C on the plus strand (A>G on the coding strand, the complement: SAMD9L is on the minus strand). VCF-style: chr7-93134155-T-C. GRCh37 (hg19) VCF-style: chr7-92763468-T-C.
Other names: c.1817A>G, p.Asn606Ser (NM_001303496.3, NM_001303497.3, NM_001303498.3 and 5 more transcripts); short protein forms N606S.
Identifiers: ClinVar variation 3792385 (VCV003792385.1).